The following is an entry in ClinVar:

ClinVar aggregate classification (germline): Uncertain significance (1 of 4 stars; one submission).

Allele frequency attached by ClinVar (database versions not stated): TOPMed below 0.00001; gnomAD 0.00001; gnomAD exomes 0.00001.
gnomAD v4.1: 19 of 1,571,272 alleles (0.0012%); highest among the groups gnomAD compares: Non-Finnish European, 0.0015%; no homozygotes.

Submission:

Labcorp Genetics (formerly Invitae), Labcorp
Classification: Uncertain significance. Last evaluated: 2022-08-24. Review status: criteria provided, single submitter. Criteria: Invitae Variant Classification Sherloc (09022015). Collection method: clinical testing. Allele origin: germline.
Comment: This sequence change replaces histidine, which is basic and polar, with arginine, which is basic and polar, at codon 2148 of the CACNA1B protein (p.His2148Arg). This variant is not present in population databases (gnomAD no frequency). This variant has not been reported in the literature in individuals affected with CACNA1B-related conditions. Advanced modeling of protein sequence and biophysical properties (such as structural, functional, and spatial information, amino acid conservation, physicochemical variation, residue mobility, and thermodynamic stability) performed at Invitae indicates that this missense variant is not expected to disrupt CACNA1B protein function. In summary, the available evidence is currently insufficient to determine the role of this variant in disease. Therefore, it has been classified as a Variant of Uncertain Significance.

NM_000718.4(CACNA1B):c.6443A>G (p.His2148Arg)

Gene: CACNA1B (calcium voltage-gated channel subunit alpha1 B; plus strand). Cytogenetic location: 9q34.3.
Variant type: single nucleotide variant.
Coding change: c.6443A>G on transcript NM_000718.4 (MANE Select); coding-DNA position 6443, A replaced by G.
Protein change: p.His2148Arg; replaces histidine 2148 with arginine.
Molecular consequence: missense variant.
Genome position (GRCh38, 1-based): chr9:138,120,835, A>G. VCF-style: chr9-138120835-A-G. GRCh37 (hg19) VCF-style: chr9-141015287-A-G.
Other names: c.6443A>G, p.His2148Arg (NM_001243812.2); short protein forms H2148R.
Identifiers: ClinVar variation 1919743 (VCV001919743.2), dbSNP rs1962065146, ClinGen allele CA375823395.
Genomic context (GRCh38, chr9:138,120,835, plus strand): 5'-ACTCCTGCGACCGCTTTGGGGGCCGTGAGCCCCCGAAGCCCAAGCCCTCCCTCAGCAGCC[A>G]CCCAACGTCGCCAACAGCTGGCCAGGAGCCGGGACCCCACCCACAGGTAAGAGGAATAGG-3'
Protein context (NP_000709.1, residues 2138-2158): PPKPKPSLSS[His2148Arg]PTSPTAGQEP